The following is an entry in ClinVar:

NM_033337.3(CAV3):c.221G>A (p.Arg74His)

Genes: CAV3 (caveolin 3; plus strand), OXTR (oxytocin receptor; minus strand). Cytogenetic location: 3p25.3.
Variant type: single nucleotide variant.
Coding change: c.221G>A on transcript NM_033337.3 (MANE Select); coding-DNA position 221, G replaced by A.
Protein change: p.Arg74His; replaces arginine 74 with histidine.
Molecular consequence: missense variant.
Genome position (GRCh38, 1-based): chr3:8,745,632, G>A. VCF-style: chr3-8745632-G-A. GRCh37 (hg19) VCF-style: chr3-8787318-G-A.
Other names: c.221G>A, p.Arg74His (NM_001234.5); short protein forms R74H.
Identifiers: ClinVar variation 409256 (VCV000409256.12), dbSNP rs201893621, ClinGen allele CA2236337.

ClinVar aggregate classification (germline): Uncertain significance. Review status: criteria provided, multiple submitters, no conflicts (2 of 4 stars). 4 submissions from 4 submitters: Uncertain significance (4). Last evaluated 2024-05-26.

Conditions:
Hypertrophic cardiomyopathy 1 (CMH1). Also called: MYH7-Related Familial Hypertrophic Cardiomyopathy; Familial hypertrophic cardiomyopathy 1. Identifiers: MedGen C3495498, MONDO:0008647, OMIM 192600.
Long QT syndrome 9 (LQT9). Identifiers: Orphanet 101016, Orphanet 768, MedGen C2678485, MONDO:0012736, OMIM 611818.
Rippling muscle disease 2 (RMD2). Also called: Limb-girdle muscular dystrophy, type 1C; CAV3-Related Rippling Muscle Disease. Identifiers: Orphanet 265, MedGen C1832560, MONDO:0019947, OMIM 606072.
Distal myopathy, Tateyama type (MPDT). Also called: CAV3-Related Distal Myopathy. Identifiers: Orphanet 488650, MedGen C3280443, MONDO:0013686, OMIM 614321.
Elevated circulating creatine kinase activity. Also called: Elevated serum creatine phosphokinase; Elevated circulating creatine kinase concentration; Elevated creatine kinase. Identifiers: MedGen C0241005, HP:0003236.
Long QT syndrome (LQTS). Identifiers: MedGen C0023976, MeSH D008133, MONDO:0002442. Disease mechanism: loss of function. Inheritance: Various modes of inheritance.
Cardiomyopathy (CMYO). Also called: Cardiomyopathies. Identifiers: Orphanet 167848, MedGen C0878544, MONDO:0004994, HP:0001638. Inheritance: Various modes of inheritance.

Allele frequency attached by ClinVar (database versions not stated): gnomAD 0.00001; gnomAD exomes 0.00001 and 0.00002; ExAC 0.00003; 1000 Genomes Project 30x 0.00016; 1000 Genomes Project 0.00020.
gnomAD v4.1: 14 of 1,614,118 alleles (0.00087%); highest among the groups gnomAD compares: African/African-American, 0.0027%; no homozygotes.

Submissions (4):

Labcorp Genetics (formerly Invitae), Labcorp
Classification: Uncertain significance for Long QT syndrome. Last evaluated: 2024-05-26. Review status: criteria provided, single submitter. Criteria: Invitae Variant Classification Sherloc (09022015). Collection method: clinical testing. Allele origin: germline.
Comment: This sequence change replaces arginine, which is basic and polar, with histidine, which is basic and polar, at codon 74 of the CAV3 protein (p.Arg74His). This variant is present in population databases (rs201893621, gnomAD 0.004%). This variant has not been reported in the literature in individuals affected with CAV3-related conditions. ClinVar contains an entry for this variant (Variation ID: 409256). An algorithm developed to predict the effect of missense changes on protein structure and function (PolyPhen-2) suggests that this variant is likely to be disruptive. In summary, the available evidence is currently insufficient to determine the role of this variant in disease. Therefore, it has been classified as a Variant of Uncertain Significance.

Fulgent Genetics
Classification: Uncertain significance for Creatine phosphokinase, elevated serum; Hypertrophic cardiomyopathy 1; Rippling muscle disease 2; Long QT syndrome 9; Distal myopathy, Tateyama type. Last evaluated: 2021-08-16. Review status: criteria provided, single submitter. Criteria: ACMG Guidelines, 2015. Collection method: clinical testing. Allele origin: unknown.

Eurofins Ntd Llc (ga)
Classification: Uncertain significance. Last evaluated: 2017-07-13. Review status: criteria provided, single submitter. Criteria: EGL Classification Definitions 2015. Collection method: clinical testing. Allele origin: germline. Observed: 1 variant allele, 1 heterozygote.

CHEO Genetics Diagnostic Laboratory, Children's Hospital of Eastern Ontario
Classification: Uncertain significance for Cardiomyopathy. Last evaluated: 2015-09-14. Review status: criteria provided, single submitter. Criteria: ACMG Guidelines, 2015. Collection method: clinical testing. Allele origin: germline. Study: Canadian Open Genetics Repository.